The following is an entry in ClinVar:

ClinVar aggregate classification (germline): Uncertain significance (1 of 4 stars; one submission).

gnomAD v4.1: 5 of 1,568,760 alleles (0.00032%); highest among the groups gnomAD compares: Non-Finnish European, 0.00043%; no homozygotes.

Submission:

Labcorp Genetics (formerly Invitae), Labcorp
Classification: Uncertain significance. Last evaluated: 2022-07-11. Review status: criteria provided, single submitter. Criteria: Invitae Variant Classification Sherloc (09022015). Collection method: clinical testing. Allele origin: germline.
Comment: In summary, the available evidence is currently insufficient to determine the role of this variant in disease. Therefore, it has been classified as a Variant of Uncertain Significance. Algorithms developed to predict the effect of missense changes on protein structure and function are either unavailable or do not agree on the potential impact of this missense change (SIFT: "Deleterious"; PolyPhen-2: "Benign"; Align-GVGD: "Class C25"). This variant has not been reported in the literature in individuals affected with LTBP2-related conditions. This variant is not present in population databases (gnomAD no frequency). This sequence change replaces valine, which is neutral and non-polar, with leucine, which is neutral and non-polar, at codon 469 of the LTBP2 protein (p.Val469Leu).

NM_000428.3(LTBP2):c.1405G>T (p.Val469Leu)

Gene: LTBP2 (latent transforming growth factor beta binding protein 2; minus strand). Cytogenetic location: 14q24.3.
Variant type: single nucleotide variant.
Coding change: c.1405G>T on transcript NM_000428.3 (MANE Select); coding-DNA position 1405, G replaced by T.
Protein change: p.Val469Leu; replaces valine 469 with leucine.
Molecular consequence: missense variant.
Genome position (GRCh38, 1-based): chr14:74,551,345, C>A on the plus strand (G>T on the coding strand, the complement: LTBP2 is on the minus strand). VCF-style: chr14-74551345-C-A. GRCh37 (hg19) VCF-style: chr14-75018048-C-A.
Other names: short protein forms V469L.
Identifiers: ClinVar variation 2016083 (VCV002016083.4), dbSNP rs61738026, ClinGen allele CA390399167.